The following is an entry in ClinVar:

ClinVar aggregate classification (germline): Pathogenic (1 of 4 stars; one submission).

Submission:

Labcorp Genetics (formerly Invitae), Labcorp
Classification: Pathogenic. Last evaluated: 2023-08-17. Review status: criteria provided, single submitter. Criteria: Invitae Variant Classification Sherloc (09022015). Collection method: clinical testing. Allele origin: germline.
Comment: This variant is a gross deletion of the genomic region encompassing exon(s) 49 of the USH2A gene. This deletion is out-of-frame, and is expected to create a premature termination codon and result in an absent or disrupted protein product. Loss-of-function variants in USH2A are known to be pathogenic (PMID: 10729113, 10909849, 20507924, 25649381). This variant has not been reported in the literature in individuals affected with USH2A-related conditions. For these reasons, this variant has been classified as Pathogenic.

Literature cited by the submitters: PubMed 10729113; PubMed 10909849; PubMed 20507924; PubMed 25649381.

NC_000001.10:g.(?_215987058)_(215987266_?)del

Gene: USH2A (usherin; minus strand). Cytogenetic location: 1q41.
Variant type: Deletion.
Identifiers: ClinVar variation 1457260 (VCV001457260.5).